The following is an entry in ClinVar:

ClinVar aggregate classification (germline): Uncertain significance (1 of 4 stars; one submission).

Submission:

Labcorp Genetics (formerly Invitae), Labcorp
Classification: Uncertain significance. Last evaluated: 2023-09-05. Review status: criteria provided, single submitter. Criteria: Invitae Variant Classification Sherloc (09022015). Collection method: clinical testing. Allele origin: germline.
Comment: This variant has not been reported in the literature in individuals affected with MYH3-related conditions. In summary, the available evidence is currently insufficient to determine the role of this variant in disease. Therefore, it has been classified as a Variant of Uncertain Significance. Advanced modeling of protein sequence and biophysical properties (such as structural, functional, and spatial information, amino acid conservation, physicochemical variation, residue mobility, and thermodynamic stability) has been performed at Invitae for this missense variant, however the output from this modeling did not meet the statistical confidence thresholds required to predict the impact of this variant on MYH3 protein function. This variant is not present in population databases (gnomAD no frequency). This sequence change replaces histidine, which is basic and polar, with leucine, which is neutral and non-polar, at codon 692 of the MYH3 protein (p.His692Leu).

NM_002470.4(MYH3):c.2075A>T (p.His692Leu)

Gene: MYH3 (myosin heavy chain 3; minus strand). Cytogenetic location: 17p13.1.
Variant type: single nucleotide variant.
Coding change: c.2075A>T on transcript NM_002470.4 (MANE Select); coding-DNA position 2075, A replaced by T.
Protein change: p.His692Leu; replaces histidine 692 with leucine.
Molecular consequence: missense variant.
Genome position (GRCh38, 1-based): chr17:10,641,175, T>A on the plus strand (A>T on the coding strand, the complement: MYH3 is on the minus strand). VCF-style: chr17-10641175-T-A. GRCh37 (hg19) VCF-style: chr17-10544492-T-A.
Other names: short protein forms H692L.
Identifiers: ClinVar variation 2755555 (VCV002755555.3), dbSNP rs2508605985, ClinGen allele CA398166946.
Genomic context (GRCh38, chr17:10,641,175, plus strand): 5'-TTTGGGAACCCTTTCCTGCAGATGCGGATGCCCTCCAGGACACCGTTACACCGCAGCTGG[T>A]GCAGAACAAGGCTGTGTTCCATAGCCCCTGGGAACAGAAGCGAGATATCAGCCTTACACA-3'
Protein context (NP_002461.2, residues 682-702): PGAMEHSLVL[His692Leu]QLRCNGVLEG